The following is an entry in ClinVar:

ClinVar aggregate classification (germline): Uncertain significance. Review status: criteria provided, multiple submitters, no conflicts (2 of 4 stars). 2 submissions from 2 submitters: Uncertain significance (2). Last evaluated 2024-06-28.

Conditions:
Alagille syndrome due to a JAG1 point mutation. Also called: JAG1-Related Alagille Syndrome; HEPATIC DUCTULAR HYPOPLASIA, SYNDROMATIC; Alagille Syndrome 1. Identifiers: Orphanet 261619, Orphanet 52, MedGen C1956125, MONDO:0016862, OMIM 118450.
Cardiovascular phenotype. Identifiers: MedGen CN230736.

gnomAD v4.1: 4 of 1,614,018 alleles (0.00025%); highest among the groups gnomAD compares: Non-Finnish European, 0.00034%; no homozygotes.

Submissions (2):

Ambry Genetics
Classification: Uncertain significance for Cardiovascular phenotype. Last evaluated: 2024-06-28. Review status: criteria provided, single submitter. Criteria: Ambry Variant Classification Scheme 2023. Collection method: clinical testing. Allele origin: germline.

Labcorp Genetics (formerly Invitae), Labcorp
Classification: Uncertain significance for Alagille syndrome due to a JAG1 point mutation. Last evaluated: 2024-05-02. Review status: criteria provided, single submitter. Criteria: Invitae Variant Classification Sherloc (09022015). Collection method: clinical testing. Allele origin: germline.
Comment: This sequence change replaces glycine, which is neutral and non-polar, with valine, which is neutral and non-polar, at codon 537 of the JAG1 protein (p.Gly537Val). This variant is present in population databases (no rsID available, gnomAD 0.007%). This variant has not been reported in the literature in individuals affected with JAG1-related conditions. Advanced modeling of protein sequence and biophysical properties (such as structural, functional, and spatial information, amino acid conservation, physicochemical variation, residue mobility, and thermodynamic stability) has been performed at Invitae for this missense variant, however the output from this modeling did not meet the statistical confidence thresholds required to predict the impact of this variant on JAG1 protein function. In summary, the available evidence is currently insufficient to determine the role of this variant in disease. Therefore, it has been classified as a Variant of Uncertain Significance.

NM_000214.3(JAG1):c.1610G>T (p.Gly537Val)

Gene: JAG1 (jagged canonical Notch ligand 1; minus strand). Cytogenetic location: 20p12.2.
Variant type: single nucleotide variant.
Coding change: c.1610G>T on transcript NM_000214.3 (MANE Select); coding-DNA position 1610, G replaced by T.
Protein change: p.Gly537Val; replaces glycine 537 with valine.
Molecular consequence: missense variant.
Genome position (GRCh38, 1-based): chr20:10,648,070, C>A on the plus strand (G>T on the coding strand, the complement: JAG1 is on the minus strand). VCF-style: chr20-10648070-C-A. GRCh37 (hg19) VCF-style: chr20-10628718-C-A.
Other names: short protein forms G537V.
Identifiers: ClinVar variation 3531202 (VCV003531202.3).
Genomic context (GRCh38, chr20:10,648,070, plus strand): 5'-CCCTCATAGTCCTCGGGGCACTTGCAGAAATAGTCACTGGCACGGTTGTAGCACTGGGCA[C>A]CGTTCTGGCAGGGATTAGGCTCACAATAATCGATGTCCAGCTGCAAATATCAGGAACAGC-3'
Protein context (NP_000205.1, residues 527-547): DYCEPNPCQN[Gly537Val]AQCYNRASDY